The following is an entry in ClinVar:

ClinVar aggregate classification (germline): Uncertain significance (1 of 4 stars; one submission).

Conditions:
Cataract 21 multiple types. Also called: CATARACT 21, MULTIPLE TYPES, WITH MICROCORNEA; CATARACT 21, MULTIPLE TYPES, WITH OR WITHOUT MICROCORNEA; CATARACT 21, CERULEAN, WITH OR WITHOUT MICROCORNEA; Cataract, congenital, cerulean type, 4. Identifiers: Orphanet 91492, MedGen C1857768, MONDO:0012437, OMIM 610202.
Ayme-Gripp syndrome. Also called: Aymé-Gripp Syndrome. Identifiers: MedGen C1832812, MONDO:0010992, OMIM 601088.

Allele frequency attached by ClinVar (database versions not stated): gnomAD 0.00001; gnomAD exomes 0.00001; ExAC 0.00002; TOPMed 0.00002.
gnomAD v4.1: 11 of 1,613,718 alleles (0.00068%); highest among the groups gnomAD compares: Non-Finnish European, 0.00093%; no homozygotes.

Submission:

Labcorp Genetics (formerly Invitae), Labcorp
Classification: Uncertain significance for Cataract 21 multiple types; Ayme-Gripp syndrome. Last evaluated: 2025-12-01. Review status: criteria provided, single submitter. Criteria: Invitae Variant Classification Sherloc (09022015). Collection method: clinical testing. Allele origin: germline.
Comment: This sequence change replaces glutamic acid, which is acidic and polar, with aspartic acid, which is acidic and polar, at codon 370 of the MAF protein (p.Glu370Asp). This variant is present in population databases (rs775799498, gnomAD 0.002%). This variant has not been reported in the literature in individuals affected with MAF-related conditions. ClinVar contains an entry for this variant (Variation ID: 864654). Invitae Evidence Modeling of protein sequence and biophysical properties (such as structural, functional, and spatial information, amino acid conservation, physicochemical variation, residue mobility, and thermodynamic stability) indicates that this missense variant is not expected to disrupt MAF protein function with a negative predictive value of 80%. In summary, the available evidence is currently insufficient to determine the role of this variant in disease. Therefore, it has been classified as a Variant of Uncertain Significance.

NM_005360.5(MAF):c.1110G>C (p.Glu370Asp)

Gene: MAF (MAF bZIP transcription factor; minus strand). Cytogenetic location: 16q23.2.
Variant type: single nucleotide variant.
Coding change: c.1110G>C on transcript NM_005360.5 (MANE Select); coding-DNA position 1110, G replaced by C.
Protein change: p.Glu370Asp; replaces glutamic acid 370 with aspartic acid.
Molecular consequence: missense variant.
Genome position (GRCh38, 1-based): chr16:79,598,793, C>G on the plus strand (G>C on the coding strand, the complement: MAF is on the minus strand). VCF-style: chr16-79598793-C-G. GRCh37 (hg19) VCF-style: chr16-79632690-C-G.
Other names: c.1110G>C, p.Glu370Asp (NM_001031804.3); short protein forms E370D.
Identifiers: ClinVar variation 864654 (VCV000864654.10), dbSNP rs775799498, ClinGen allele CA8183979.
Genomic context (GRCh38, chr16:79,598,793, plus strand): 5'-CCCCGCGGAGCACTTATCAGGGTGGCTAGCTGGAATCGCGTGTCAGACTCACATGAAAAA[C>G]TCGGGAGAGGACGGGTTGTCGCTGCTCGAGCCGTTTTCTCGGAAGCCGCTGCTCACCAAC-3'
Protein context (NP_005351.2, residues 360-380): GSSSDNPSSP[Glu370Asp]FFITEPTRKL